The following is an entry in ClinVar:

ClinVar aggregate classification (germline): Pathogenic (1 of 4 stars; one submission).

Conditions:
Congenital myasthenic syndrome (CMS). Also called: Congenital Myasthenic Syndromes. Identifiers: Orphanet 590, MedGen C0751882, MeSH D020294, MONDO:0018940.

Submission:

Myriad Genetics, Inc.
Classification: Pathogenic for Congenital myasthenic syndrome. Last evaluated: 2026-01-20. Review status: criteria provided, single submitter. Criteria: Myriad Autosomal Dominant, Autosomal Recessive and X-Linked Classification Criteria (2023). Collection method: clinical testing. Allele origin: unknown.
Comment: NM_000080.3(CHRNE):c.1121dupC(V375Gfs*22) is expected to be pathogenic in the context of congenital myasthenic syndrome, CHRNE-related. This variant is predicted to lead to an abnormal or absent protein product due to the creation of a premature termination codon in CHRNE, a gene where loss-of-function variants are known to be pathogenic. Please note: this variant was assessed in the context of healthy population screening.

NM_000080.4(CHRNE):c.1121dup (p.Val375fs)

Gene: CHRNE (cholinergic receptor nicotinic epsilon subunit; minus strand). Cytogenetic location: 17p13.2.
Variant type: Duplication.
Coding change: c.1121dup on transcript NM_000080.4 (MANE Select); coding-DNA position 1121, one base duplicated (C; older notation c.1121dupC).
Protein change: p.Val375fs; shifts the reading frame from valine 375.
Molecular consequence: frameshift variant.
Genome position (GRCh38, 1-based): chr17:4,899,296, G duplicated on the plus strand (C on the coding strand, the reverse complement: CHRNE is on the minus strand). VCF-style (leftmost placement, unchanged base first): chr17-4899295-C-CG. GRCh37 (hg19) VCF-style: chr17-4802590-C-CG.
Other names: short protein forms V375fs.
Identifiers: ClinVar variation 5015450 (VCV005015450.1).